The following is an entry in ClinVar:

NM_001099922.3(ALG13):c.2530-262C>T

Gene: ALG13 (ALG13 UDP-N-acetylglucosaminyltransferase subunit; plus strand). Cytogenetic location: Xq23.
Variant type: single nucleotide variant.
Coding change: c.2530-262C>T on transcript NM_001099922.3 (MANE Select); 262 bases into the intron before coding-DNA position 2530, C replaced by T.
Molecular consequence: intron variant.
Genome position (GRCh38, 1-based): chrX:111,736,452, C>T. VCF-style: chrX-111736452-C-T. GRCh37 (hg19) VCF-style: chrX-110979680-C-T.
Other names: c.2218-262C>T (NM_001257237.2, NM_001257234.2, NM_001257230.2); c.2044-262C>T (NM_001324293.1); c.2296-262C>T (NM_001257231.2); c.2530-262C>T (NM_001324292.2).
Identifiers: ClinVar variation 669689 (VCV000669689.1), dbSNP rs7055116, ClinGen allele CA334445193.

ClinVar aggregate classification (germline): Benign (1 of 4 stars; one submission).

Allele frequency attached by ClinVar (database versions not stated): gnomAD 0.09993 and 0.10646; 1000 Genomes Project 0.10728; 1000 Genomes Project 30x 0.11259; TOPMed 0.11562.

Submission:

GeneDx
Classification: Benign. Last evaluated: 2018-06-14. Review status: criteria provided, single submitter. Criteria: GeneDx Variant Classification (06012015). Collection method: clinical testing. Allele origin: germline. Affected: yes.
Comment: This variant is considered likely benign or benign based on one or more of the following criteria: it is a conservative change, it occurs at a poorly conserved position in the protein, it is predicted to be benign by multiple in silico algorithms, and/or has population frequency not consistent with disease.